The following is an entry in ClinVar:

ClinVar aggregate classification (germline): Uncertain significance (1 of 4 stars; one submission).

Conditions:
GABRD-related disorder. Also called: GABRD-related condition.

gnomAD v4.1: 1 of 1,612,990 alleles (0.000062%); highest among the groups gnomAD compares: Non-Finnish European, 0.000085%; no homozygotes.

Submission:

Human Genome Sequencing Center Clinical Lab, Baylor College of Medicine
Classification: Uncertain significance for GABRD-related disorder. Last evaluated: 2024-10-15. Review status: criteria provided, single submitter. Criteria: ACMG Guidelines, 2015. Collection method: clinical testing. Allele origin: de novo. Affected: yes.
Comment: The c.413C>T (p.Thr138Met) variant in GABRD gene is a missense variant, replacing threonine with methionine of the GABRD protein, the δ subunit of GABAA extrasynaptic receptor. This variant is found to be extremely rare (1/1612990; 6.200e-7) in the general population database (gnomAD). In silico prediction suggests that this variant may have deleterious impact on protein structure and function (REVEL score 0.81). Currently available evidence are insufficient to determine the role of this variant in disease conclusively. Therefore, the c.413C>T (p.Thr138Met) variant in GABRD is classified as a variant of uncertain significance.

NM_000815.5(GABRD):c.413C>T (p.Thr138Met)

Gene: GABRD (gamma-aminobutyric acid type A receptor subunit delta; plus strand). Cytogenetic location: 1p36.33.
Variant type: single nucleotide variant.
Coding change: c.413C>T on transcript NM_000815.5 (MANE Select); coding-DNA position 413, C replaced by T.
Protein change: p.Thr138Met; replaces threonine 138 with methionine.
Molecular consequence: missense variant.
Genome position (GRCh38, 1-based): chr1:2,025,681, C>T. VCF-style: chr1-2025681-C-T. GRCh37 (hg19) VCF-style: chr1-1957120-C-T.
Other names: short protein forms T138M.
Identifiers: ClinVar variation 4819193 (VCV004819193.1).
Genomic context (GRCh38, chr1:2,025,681, plus strand): 5'-AGCTGTGGCTGCCCGACACCTTCATCGTGAACGCCAAGTCGGCCTGGTTCCACGACGTGA[C>T]GGTGGAGAACAAGCTCATCCGGCTGCAGCCCGACGGCGTGATCCTGTACAGCATCCGGTG-3'
Protein context (NP_000806.2, residues 128-148): NAKSAWFHDV[Thr138Met]VENKLIRLQP